The following is an entry in ClinVar:

ClinVar aggregate classification (germline): Uncertain significance (1 of 4 stars; one submission).

Conditions:
Inborn genetic diseases. Identifiers: MedGen C0950123, MeSH D030342.

Submission:

Ambry Genetics
Classification: Uncertain significance for Inborn genetic diseases. Last evaluated: 2026-07-15. Review status: criteria provided, single submitter. Criteria: Ambry Variant Classification Scheme 2023. Collection method: clinical testing. Allele origin: germline.
Comment: The c.1454C>G (p.P485R) alteration is located in exon 4 (coding exon 4) of the SMAD6 gene. This alteration results from a C to G substitution at nucleotide position 1454, causing the proline (P) at amino acid position 485 to be replaced by an arginine (R). Based on data from gnomAD, the G allele has an overall frequency of <0.001% (1/210184) total alleles studied. The highest observed frequency was 0.004% (1/26710) of South Asian alleles. This amino acid position is highly conserved in available vertebrate species. This alteration is predicted to be deleterious by in silico analysis. Based on insufficient or conflicting evidence, the clinical significance of this alteration remains unclear.

NM_005585.5(SMAD6):c.1454C>G (p.Pro485Arg)

Gene: SMAD6 (SMAD family member 6; plus strand). Cytogenetic location: 15q22.31.
Variant type: single nucleotide variant.
Coding change: c.1454C>G on transcript NM_005585.5 (MANE Select); coding-DNA position 1454, C replaced by G.
Protein change: p.Pro485Arg; replaces proline 485 with arginine.
Molecular consequence: missense variant. On other transcripts: non-coding transcript variant (1).
Genome position (GRCh38, 1-based): chr15:66,781,498, C>G. VCF-style: chr15-66781498-C-G. GRCh37 (hg19) VCF-style: chr15-67073836-C-G.
Other names: short protein forms P485R.
Identifiers: ClinVar variation 5029786 (VCV005029786.1).